The following is an entry in ClinVar:

NM_001303052.2(MYT1L):c.932_935del (p.Met311fs)

Gene: MYT1L (myelin transcription factor 1 like; minus strand). Cytogenetic location: 2p25.3.
Variant type: Deletion.
Coding change: c.932_935del on transcript NM_001303052.2 (MANE Select); coding-DNA positions 932 to 935, 4 bases deleted (TGGA; older notation c.932_935delTGGA).
Protein change: p.Met311fs; shifts the reading frame from methionine 311.
Molecular consequence: frameshift variant.
Genome position (GRCh38, 1-based): chr2:1,922,834-1,922,837, TCCA deleted on the plus strand (TGGA on the coding strand, the reverse complement: MYT1L is on the minus strand); deleting any 4 consecutive bases within chr2:1,922,834-1,922,838 gives the same sequence; the c. name uses the placement nearest the transcript's 3' end. VCF-style (leftmost placement, unchanged base first): chr2-1922833-TTCCA-T. GRCh37 (hg19) VCF-style: chr2-1926605-TTCCA-T.
Other names: c.932_935del, p.Met311fs (NM_001329844.2, NM_001329845.1, NM_001329846.3 and 6 more transcripts); short protein forms M311fs.
Identifiers: ClinVar variation 4812846 (VCV004812846.2).

ClinVar aggregate classification (germline): Pathogenic (1 of 4 stars; one submission).

Conditions:
Early onset severe obesity. Identifiers: MedGen C4013980.

Submission:

Cambridge Genomics Laboratory, East Genomic Laboratory Hub, NHS Genomic Medicine Service
Classification: Pathogenic for Severe early-onset obesity. Last evaluated: 2025-03-07. Review status: criteria provided, single submitter. Criteria: ACGS Best Practice Guidelines for Variant Classification in Rare Disease 2020. Collection method: clinical testing. Allele origin: germline. Affected: yes.
Comment: PVS1,PM2